The following is an entry in ClinVar:

NM_000506.5(F2):c.843C>T (p.Gly281=)

Gene: F2 (coagulation factor II, thrombin; plus strand). Cytogenetic location: 11p11.2.
Variant type: single nucleotide variant.
Coding change: c.843C>T on transcript NM_000506.5 (MANE Select); coding-DNA position 843, C replaced by T.
Protein change: p.Gly281=; no amino-acid change (glycine 281 retained).
Molecular consequence: synonymous variant.
Genome position (GRCh38, 1-based): chr11:46,726,142, C>T. VCF-style: chr11-46726142-C-T. GRCh37 (hg19) VCF-style: chr11-46747692-C-T.
Other names: c.843C>T (NM_000506.4).
Identifiers: ClinVar variation 708725 (VCV000708725.27), dbSNP rs147699032, ClinGen allele CA5967061.

ClinVar aggregate classification (germline): Conflicting classifications of pathogenicity. Review status: criteria provided, conflicting classifications (1 of 4 stars). 6 submissions from 5 submitters: Uncertain significance (1); Benign (1); Likely benign (3). 1 of the submissions does not count toward it. Last evaluated 2026-01-19.

Conditions:
Thrombophilia due to thrombin defect (THPH1). Also called: Prothrombin Thrombophilia; Thrombosis susceptibility; THROMBOPHILIA DUE TO FACTOR 2 DEFECT; Prothrombin-Related Thrombophilia (Factor II). Identifiers: MedGen C3160733, MONDO:0008559, OMIM 188050. Disease mechanism: gain of function, loss of function.
F2-related disorder. Also called: F2-related disorders; F2-related condition.
Inborn genetic diseases. Identifiers: MedGen C0950123, MeSH D030342.
Congenital prothrombin deficiency. Also called: Factor II deficiency; Inherited hypoprothrombinemia; Congenital factor II deficiency; Inherited prothrombin deficiency; HYPOPROTHROMBINEMIA; Hereditary factor II deficiency disease. Identifiers: Orphanet 325, MedGen C0272317, MONDO:0013361, OMIM 613679.

Allele frequency attached by ClinVar (database versions not stated): gnomAD exomes 0.00067 and 0.00100; gnomAD 0.00076; ExAC 0.00079; TOPMed 0.00080; 1000 Genomes Project 30x 0.00047; 1000 Genomes Project 0.00060; ESP Exome Variant Server 0.00062.
gnomAD v4.1: 1,597 of 1,614,006 alleles (0.099%); highest among the groups gnomAD compares: Admixed American, 0.16%; 5 homozygotes.

Submissions (7):

Labcorp Genetics (formerly Invitae), Labcorp
Classification: Likely benign for Congenital prothrombin deficiency. Last evaluated: 2026-01-19. Review status: criteria provided, single submitter. Criteria: Invitae Variant Classification Sherloc (09022015). Collection method: clinical testing. Allele origin: germline.

Blueprint Genetics
Classification: Likely benign. Last evaluated: 2024-11-18. Review status: criteria provided, single submitter. Criteria: ACMG Guidelines, 2015. Collection method: clinical testing. Allele origin: germline.

Ambry Genetics
Classification: Likely benign for Inborn genetic diseases. Last evaluated: 2022-04-09. Review status: criteria provided, single submitter. Criteria: Ambry Variant Classification Scheme 2023. Collection method: clinical testing. Allele origin: germline.

Illumina Laboratory Services, Illumina
Classification: Uncertain significance for Thrombophilia due to thrombin defect. Last evaluated: 2017-04-27. Review status: criteria provided, single submitter. Criteria: ICSL Variant Classification Criteria 13 December 2019. Collection method: clinical testing. Allele origin: germline.

Illumina Laboratory Services, Illumina
Classification: Benign for Congenital prothrombin deficiency. Last evaluated: 2017-04-27. Review status: criteria provided, single submitter. Criteria: ICSL Variant Classification Criteria 13 December 2019. Collection method: clinical testing. Allele origin: germline.
Comment: This variant was observed as part of a predisposition screen in an ostensibly healthy population. A literature search was performed for the gene, cDNA change, and amino acid change (where applicable). No publications were found based on this search. Allele frequency data from public databases was too high to be consistent with this variant causing disease. Therefore, this variant is classified as benign.

PreventionGenetics, part of Exact Sciences
Classification: Likely benign for F2-related condition. Last evaluated: 2024-09-16. Review status: no assertion criteria provided. Collection method: clinical testing. Allele origin: germline. Not counted in ClinVar's aggregate classification.
Comment: This variant is classified as likely benign based on ACMG/AMP sequence variant interpretation guidelines (Richards et al. 2015 PMID: 25741868, with internal and published modifications).

Dr. Peter K. Rogan Lab, Western University
No classification provided (evidence only). Condition: Acute myeloid leukemia. Review status: no classification provided. Collection method: in vitro. Allele origin: not applicable. Functional consequence: retained intron. Not counted in ClinVar's aggregate classification.